The following is an entry in ClinVar:

NM_003072.5(SMARCA4):c.2127T>G (p.Asn709Lys)

Gene: SMARCA4 (SWI/SNF related BAF chromatin remodeling complex subunit ATPase 4; plus strand). Cytogenetic location: 19p13.2.
Variant type: single nucleotide variant.
Coding change: c.2127T>G on transcript NM_003072.5 (MANE Select); coding-DNA position 2127, T replaced by G.
Protein change: p.Asn709Lys; replaces asparagine 709 with lysine.
Molecular consequence: missense variant. On other transcripts: non-coding transcript variant (1).
Genome position (GRCh38, 1-based): chr19:11,010,384, T>G. VCF-style: chr19-11010384-T-G. GRCh37 (hg19) VCF-style: chr19-11121060-T-G.
Other names: c.2127T>G, p.Asn709Lys (NM_001128844.3, NM_001128845.2, NM_001128846.2 and 4 more transcripts); short protein forms N709K.
Identifiers: ClinVar variation 820772 (VCV000820772.4), dbSNP rs1555773230, ClinGen allele CA404052653.
Genomic context (GRCh38, chr19:11,010,384, plus strand): 5'-CACATTGTCACAGATAGGAATGTGTGTCCTTACCCGGCACCTCCATCTCACTCCCAGGAA[T>G]GCCAAGCAAGATGTCGATGATGAATATGGCGTGTCCCAGGCCCTTGCACGTGGCCTGCAG-3'
Protein context (NP_003063.2, residues 699-719): SEVDARHIIE[Asn709Lys]AKQDVDDEYG

ClinVar aggregate classification (germline): Uncertain significance (1 of 4 stars; one submission).

Conditions:
Hereditary cancer-predisposing syndrome. Also called: Neoplastic Syndromes, Hereditary; Tumor predisposition; Hereditary Cancer Syndrome; Hereditary neoplastic syndrome. Identifiers: Orphanet 140162, MedGen C0027672, MeSH D009386, MONDO:0015356.

Submission:

Ambry Genetics
Classification: Uncertain significance for Hereditary cancer-predisposing syndrome. Last evaluated: 2019-09-29. Review status: criteria provided, single submitter. Criteria: Ambry Variant Classification Scheme 2023. Collection method: clinical testing. Allele origin: germline.
Comment: The p.N709K variant (also known as c.2127T>G), located in coding exon 14 of the SMARCA4 gene, results from a T to G substitution at nucleotide position 2127. The asparagine at codon 709 is replaced by lysine, an amino acid with similar properties. This amino acid position is highly conserved through mammals but not in all available vertebrate species. In addition, this alteration is predicted to be tolerated by in silico analysis. Since supporting evidence is limited at this time, the clinical significance of this alteration remains unclear.